The following is an entry in ClinVar:

NM_005069.6(SIM2):c.291T>A (p.Ser97=)

Gene: SIM2 (SIM bHLH transcription factor 2; plus strand). Cytogenetic location: 21q22.13.
Variant type: single nucleotide variant.
Coding change: c.291T>A on transcript NM_005069.6 (MANE Select); coding-DNA position 291, T replaced by A.
Protein change: p.Ser97=; no amino-acid change (serine 97 retained).
Molecular consequence: synonymous variant.
Genome position (GRCh38, 1-based): chr21:36,712,565, T>A. VCF-style: chr21-36712565-T-A. GRCh37 (hg19) VCF-style: chr21-38084865-T-A.
Other names: c.291T>A, p.Ser97= (NM_009586.5).
Identifiers: ClinVar variation 2652650 (VCV002652650.24), dbSNP rs2516740845, ClinGen allele CA512075163.

ClinVar aggregate classification (germline): Likely benign (1 of 4 stars; one submission).

Submission:

CeGaT Center for Human Genetics Tuebingen
Classification: Likely benign. Last evaluated: 2023-04-01. Review status: criteria provided, single submitter. Criteria: CeGaT Center For Human Genetics Tuebingen Variant Classification Criteria Version 2. Collection method: clinical testing. Allele origin: germline. Affected: yes. Observed: 1 variant allele.
Comment: SIM2: PM2:Supporting, BP4, BP7